The following is an entry in ClinVar:

NM_001122630.2(CDKN1C):c.809G>C (p.Arg270Thr)

Gene: CDKN1C (cyclin dependent kinase inhibitor 1C; minus strand). Cytogenetic location: 11p15.4.
Variant type: single nucleotide variant.
Coding change: c.809G>C on transcript NM_001122630.2 (MANE Select); coding-DNA position 809, G replaced by C.
Protein change: p.Arg270Thr; replaces arginine 270 with threonine.
Molecular consequence: missense variant.
Genome position (GRCh38, 1-based): chr11:2,884,113, C>G on the plus strand (G>C on the coding strand, the complement: CDKN1C is on the minus strand). VCF-style: chr11-2884113-C-G. GRCh37 (hg19) VCF-style: chr11-2905343-C-G.
Other names: c.842G>C, p.Arg281Thr (NM_000076.2, NM_001362474.2); c.809G>C, p.Arg270Thr (NM_001122631.2); c.277G>C, p.Asp93His (NM_001362475.2); short protein forms R281T, R270T, D93H.
Identifiers: ClinVar variation 2907205 (VCV002907205.3), dbSNP rs886037912, ClinGen allele CA379145080.

ClinVar aggregate classification (germline): Uncertain significance (1 of 4 stars; one submission).

Conditions:
Beckwith-Wiedemann syndrome (BWS). Also called: Exomphalos macroglossia gigantism syndrome; EMG SYNDROME. Identifiers: Orphanet 116, MedGen C0004903, MONDO:0007534, OMIM 130650.

Submission:

Labcorp Genetics (formerly Invitae), Labcorp
Classification: Uncertain significance for Beckwith-Wiedemann syndrome. Last evaluated: 2024-01-05. Review status: criteria provided, single submitter. Criteria: Invitae Variant Classification Sherloc (09022015). Collection method: clinical testing. Allele origin: germline.
Comment: This sequence change replaces arginine, which is basic and polar, with threonine, which is neutral and polar, at codon 281 of the CDKN1C protein (p.Arg281Thr). This variant is not present in population databases (gnomAD no frequency). This variant has not been reported in the literature in individuals affected with CDKN1C-related conditions. Advanced modeling of protein sequence and biophysical properties (such as structural, functional, and spatial information, amino acid conservation, physicochemical variation, residue mobility, and thermodynamic stability) performed at Invitae indicates that this missense variant is not expected to disrupt CDKN1C protein function with a negative predictive value of 80%. In summary, the available evidence is currently insufficient to determine the role of this variant in disease. Therefore, it has been classified as a Variant of Uncertain Significance.